The following is an entry in ClinVar:

NM_000256.3(MYBPC3):c.56T>G (p.Val19Gly)

Gene: MYBPC3 (myosin binding protein C3; minus strand). Cytogenetic location: 11p11.2.
Variant type: single nucleotide variant.
Coding change: c.56T>G on transcript NM_000256.3 (MANE Select); coding-DNA position 56, T replaced by G.
Protein change: p.Val19Gly; replaces valine 19 with glycine.
Molecular consequence: missense variant.
Genome position (GRCh38, 1-based): chr11:47,351,475, A>C on the plus strand (T>G on the coding strand, the complement: MYBPC3 is on the minus strand). VCF-style: chr11-47351475-A-C. GRCh37 (hg19) VCF-style: chr11-47373026-A-C.
Other names: short protein forms V19G.
Identifiers: ClinVar variation 855686 (VCV000855686.9), dbSNP rs1247917628, ClinGen allele CA380342014.

ClinVar aggregate classification (germline): Uncertain significance (1 of 4 stars; one submission).

Conditions:
Hypertrophic cardiomyopathy. Also called: HYPERTROPHIC MYOCARDIOPATHY. Identifiers: Orphanet 217569, MedGen C0007194, MeSH D002312, MONDO:0005045, HP:0001639.

Submission:

Labcorp Genetics (formerly Invitae), Labcorp
Classification: Uncertain significance for Hypertrophic cardiomyopathy. Last evaluated: 2019-03-29. Review status: criteria provided, single submitter. Criteria: Invitae Variant Classification Sherloc (09022015). Collection method: clinical testing. Allele origin: germline.
Comment: This variant is not present in population databases (ExAC no frequency). This sequence change replaces valine with glycine at codon 19 of the MYBPC3 protein (p.Val19Gly). The valine residue is weakly conserved and there is a moderate physicochemical difference between valine and glycine. This variant has not been reported in the literature in individuals with MYBPC3-related conditions. In summary, the available evidence is currently insufficient to determine the role of this variant in disease. Therefore, it has been classified as a Variant of Uncertain Significance. Algorithms developed to predict the effect of missense changes on protein structure and function (SIFT, PolyPhen-2, Align-GVGD) all suggest that this variant is likely to be tolerated, but these predictions have not been confirmed by published functional studies and their clinical significance is uncertain.